The following is an entry in ClinVar:

ClinVar aggregate classification (germline): Uncertain significance (1 of 4 stars; one submission).

Conditions:
Inborn genetic diseases. Identifiers: MedGen C0950123, MeSH D030342.

gnomAD v4.1: 1 of 1,612,674 alleles (0.000062%); highest among the groups gnomAD compares: Admixed American, 0.0017%; no homozygotes.

Submission:

Ambry Genetics
Classification: Uncertain significance for Inborn genetic diseases. Last evaluated: 2024-04-06. Review status: criteria provided, single submitter. Criteria: Ambry Variant Classification Scheme 2023. Collection method: clinical testing. Allele origin: germline.
Comment: The p.L11Q variant (also known as c.32T>A), located in coding exon 1 of the BUB1B gene, results from a T to A substitution at nucleotide position 32. The leucine at codon 11 is replaced by glutamine, an amino acid with dissimilar properties. This amino acid position is conserved. In addition, this alteration is predicted to be tolerated by in silico analysis. Based on the available evidence, the clinical significance of this variant remains unclear.

NM_001211.6(BUB1B):c.32T>A (p.Leu11Gln)

Genes: BUB1B (BUB1 mitotic checkpoint serine/threonine kinase B; plus strand), LOC130056830 (ATAC-STARR-seq lymphoblastoid active region 9236; plus strand). Cytogenetic location: 15q15.1.
Variant type: single nucleotide variant.
Coding change: c.32T>A on transcript NM_001211.6 (MANE Select); coding-DNA position 32, T replaced by A.
Protein change: p.Leu11Gln; replaces leucine 11 with glutamine.
Molecular consequence: missense variant.
Genome position (GRCh38, 1-based): chr15:40,161,252, T>A. VCF-style: chr15-40161252-T-A. GRCh37 (hg19) VCF-style: chr15-40453453-T-A.
Other names: short protein forms L11Q.
Identifiers: ClinVar variation 3262230 (VCV003262230.1).